The following is an entry in ClinVar:

NM_003000.3(SDHB):c.260T>C (p.Leu87Ser)

Gene: SDHB (succinate dehydrogenase complex iron sulfur subunit B; minus strand). Cytogenetic location: 1p36.13.
Variant type: single nucleotide variant.
Coding change: c.260T>C on transcript NM_003000.3 (MANE Select); coding-DNA position 260, T replaced by C.
Protein change: p.Leu87Ser; replaces leucine 87 with serine.
Molecular consequence: missense variant.
Genome position (GRCh38, 1-based): chr1:17,033,086, A>G on the plus strand (T>C on the coding strand, the complement: SDHB is on the minus strand). VCF-style: chr1-17033086-A-G. GRCh37 (hg19) VCF-style: chr1-17359581-A-G.
Other names: short protein forms L87S.
Identifiers: ClinVar variation 178686 (VCV000178686.17), dbSNP rs727504457, ClinGen allele CA015626.

ClinVar aggregate classification (germline): Pathogenic/Likely pathogenic. Review status: criteria provided, multiple submitters, no conflicts (2 of 4 stars). 4 submissions from 4 submitters: Pathogenic (2); Likely pathogenic (2). Last evaluated 2025-11-16.

Conditions:
Gastrointestinal stromal tumor. Also called: Gastrointestinal stromal tumor, somatic; Gastrointestinal stroma tumor. Identifiers: Orphanet 44890, MedGen C0238198, MeSH D046152, MONDO:0011719, OMIM 606764, HP:0100723.
Pheochromocytoma. Also called: MAX-Related Hereditary Paraganglioma-Pheochromocytoma Syndrome. Identifiers: Orphanet 29072, MedGen C0031511, MONDO:0008233, OMIM 171300, HP:0002666.
Pheochromocytoma/paraganglioma syndrome 4. Also called: Paragangliomas 4; PARAGANGLIOMA, FAMILIAL MALIGNANT; PARAGANGLIOMAS, HEREDITARY EXTRAADRENAL; PHEOCHROMOCYTOMA, FAMILIAL EXTRAADRENAL; SDHB-Related Hereditary Paraganglioma-Pheochromocytoma Syndrome; CAROTID BODY TUMORS AND MULTIPLE EXTRAADRENAL PHEOCHROMOCYTOMAS. Identifiers: Orphanet 29072, MedGen C1861848, MONDO:0007273, OMIM 115310.
Hereditary cancer-predisposing syndrome. Also called: Tumor predisposition; Neoplastic Syndromes, Hereditary; Hereditary Cancer Syndrome; Hereditary neoplastic syndrome. Identifiers: Orphanet 140162, MedGen C0027672, MeSH D009386, MONDO:0015356.
Hereditary pheochromocytoma and paraganglioma. Also called: Hereditary Paraganglioma-Pheochromocytoma Syndromes; Hereditary paragangliomas and pheochromocytomas; Hereditary pheochromocytoma-paraganglioma. Identifiers: Orphanet 29072, MedGen C4274332, MONDO:0017366.

Submissions (4):

Labcorp Genetics (formerly Invitae), Labcorp
Classification: Pathogenic for Gastrointestinal stromal tumor; Pheochromocytoma/paraganglioma syndrome 4; Pheochromocytoma. Last evaluated: 2025-11-16. Review status: criteria provided, single submitter. Criteria: Invitae Variant Classification Sherloc (09022015). Collection method: clinical testing. Allele origin: germline.
Comment: This sequence change replaces leucine, which is neutral and non-polar, with serine, which is neutral and polar, at codon 87 of the SDHB protein (p.Leu87Ser). This variant is not present in population databases (gnomAD no frequency). This missense change has been observed in individuals with paragangliomas and/or pheochromocytomas (PMID: 11404820, 12807974, 15328326, 19454582, 22517557; internal data). This variant is also known as 394T>C (L88S) and 263T>C (L88S). ClinVar contains an entry for this variant (Variation ID: 178686). Invitae Evidence Modeling of protein sequence and biophysical properties (such as structural, functional, and spatial information, amino acid conservation, physicochemical variation, residue mobility, and thermodynamic stability) indicates that this missense variant is expected to disrupt SDHB protein function with a positive predictive value of 80%. For these reasons, this variant has been classified as Pathogenic.

Myriad Genetics, Inc.
Classification: Likely pathogenic for Pheochromocytoma/paraganglioma syndrome 4. Last evaluated: 2023-02-08. Review status: criteria provided, single submitter. Criteria: Myriad Autosomal Dominant, Autosomal Recessive and X-Linked Classification Criteria (2023). Collection method: clinical testing. Allele origin: unknown.
Comment: This variant is considered likely pathogenic. This variant has been reported in multiple individuals with clinical features of gene-specific disease [PMID: 12807974, 31492822, 15328326]. This variant is expected to disrupt protein structure [internal Myriad data].

Ambry Genetics
Classification: Pathogenic for Hereditary cancer-predisposing syndrome. Last evaluated: 2022-05-10. Review status: criteria provided, single submitter. Criteria: Ambry Variant Classification Scheme 2023. Collection method: clinical testing. Allele origin: germline.
Comment: The p.L87S pathogenic mutation (also known as c.260T>C), located in coding exon 3 of the SDHB gene, results from a T to C substitution at nucleotide position 260. The leucine at codon 87 is replaced by serine, an amino acid with dissimilar properties. In a subsequent study, this mutation was observed in three families with either adrenal or extra-adrenal phenochromocytoma. In one family with history of extra-adrenal phenochromocytoma, six individuals, including the index case, were found to carry this mutation. In addition, this mutation was not detected in 300 control samples from white healthy blood donors (Neumann HP et al. JAMA, 2004 Aug;292:943-51). The mutation was also reported in 1 out of 445 patients with paragangliomas, and it was not detected in 200 control chromosomes sampled (Burnichon N et al. J. Clin. Endocrinol. Metab., 2009 Aug;94:2817-27). Based on internal structural analysis, this variant is anticipated to result in a significant decrease in structural stability (Sun F et al. Cell, 2005 Jul;121:1043-57). This variant is considered to be rare based on population cohorts in the Genome Aggregation Database (gnomAD). This amino acid position is highly conserved in available vertebrate species. In addition, this alteration is predicted to be deleterious by in silico analysis. Based on the supporting evidence, this alteration is interpreted as a disease-causing mutation.

Laboratory for Molecular Medicine, Mass General Brigham Personalized Medicine
Classification: Likely pathogenic for Hereditary pheochromocytoma and paraganglioma. Last evaluated: 2013-08-16. Review status: criteria provided, single submitter. Criteria: LMM Criteria. Collection method: clinical testing. Allele origin: germline. Inheritance: Autosomal dominant inheritance. Observed: 3 variant alleles.
Comment: The Leu87Ser variant in SDHB has been reported in at least 6 individuals with pa raganglioma/pheochromocytoma, one of which progressed into malignant disease (Bu rnichon 2009, Buffet 2012). In addition, this variant has been identified in 1 i n >13,000 control chromosomes (Astuti 2001, Neumann 2004, Burnichon 2009, NHLBI Exome Sequencing Project). Please note that f or diseases with clinical variability, reduced penetrance, or recessive inherita nce, pathogenic variants may be present at a low frequency in the general popula tion. Computational analyses (biochemical amino acid properties, conservation, A lignGVGD, PolyPhen2, and SIFT) suggest that the Leu87Ser variant may impact the protein, though this information is not predictive enough to determine pathogeni city. In summary, this variant is likely to be pathogenic based on published dat a and a low allele frequency in control chromosomes, though additional studies a re required to fully establish its clinical significance.

Literature cited by the submitters: PubMed 11404820 (cited by 3 submitters); PubMed 12807974 (cited by 3 submitters); PubMed 15328326 (cited by 4 submitters); PubMed 19454582 (cited by 3 submitters); PubMed 22517557 (cited by 3 submitters); PubMed 31492822 (cited by Myriad Genetics, Inc.); PubMed 15989954 (cited by Ambry Genetics); PubMed 15988378 (cited by Laboratory for Molecular Medicine, Mass General Brigham Personalized Medicine).